The following is an entry in ClinVar:

NM_004453.4(ETFDH):c.98G>A (p.Trp33Ter)

Gene: ETFDH (electron transfer flavoprotein dehydrogenase; plus strand). Cytogenetic location: 4q32.1.
Variant type: single nucleotide variant.
Coding change: c.98G>A on transcript NM_004453.4 (MANE Select); coding-DNA position 98, G replaced by A.
Protein change: p.Trp33Ter; replaces tryptophan 33 with a stop codon.
Molecular consequence: nonsense. On other transcripts: intron variant (1).
Genome position (GRCh38, 1-based): chr4:158,680,530, G>A. VCF-style: chr4-158680530-G-A. GRCh37 (hg19) VCF-style: chr4-159601682-G-A.
Other names: c.35-1665G>A (NM_001281737.2); short protein forms W33*.
Identifiers: ClinVar variation 1422520 (VCV001422520.6), dbSNP rs1169197181, ClinGen allele CA358573389.

ClinVar aggregate classification (germline): Pathogenic (1 of 4 stars; one submission).

Conditions:
Multiple acyl-CoA dehydrogenase deficiency (MADD). Also called: Glutaric aciduria, type 2; ETHYLMALONIC-ADIPICACIDURIA; GA II; Glutaric acidemia type II; GA 2; Glutaric Acidemia type 2. Identifiers: Orphanet 26791, MedGen C0268596, MONDO:0009282, OMIM 231680.

Allele frequency attached by ClinVar (database versions not stated): gnomAD exomes below 0.00001.
gnomAD v4.1: 1 of 1,598,662 alleles (0.000063%); highest among the groups gnomAD compares: Non-Finnish European, 0.000086%; no homozygotes.

Submission:

Labcorp Genetics (formerly Invitae), Labcorp
Classification: Pathogenic for Multiple acyl-CoA dehydrogenase deficiency. Last evaluated: 2025-10-26. Review status: criteria provided, single submitter. Criteria: Invitae Variant Classification Sherloc (09022015). Collection method: clinical testing. Allele origin: germline.
Comment: This sequence change creates a premature translational stop signal (p.Trp33*) in the ETFDH gene. It is expected to result in an absent or disrupted protein product. Loss-of-function variants in ETFDH are known to be pathogenic (PMID: 16510302, 23785301). This variant is present in population databases (no rsID available, gnomAD 0.0009%). This variant has not been reported in the literature in individuals affected with ETFDH-related conditions. ClinVar contains an entry for this variant (Variation ID: 1422520). Algorithms developed to predict the effect of sequence changes on RNA splicing suggest that this variant may disrupt the consensus splice site. For these reasons, this variant has been classified as Pathogenic.

Literature cited by the submitters: PubMed 16510302; PubMed 23785301.